The following is an entry in ClinVar:

ClinVar aggregate classification (germline): Uncertain significance (1 of 4 stars; one submission).

Submission:

Ambry Genetics
Classification: Uncertain significance. Last evaluated: 2024-08-24. Review status: criteria provided, single submitter. Criteria: Ambry Variant Classification Scheme 2023. Collection method: clinical testing. Allele origin: germline.
Comment: The p.I300L variant (also known as c.898A>C), located in coding exon 4 of the MNDA gene, results from an A to C substitution at nucleotide position 898. The isoleucine at codon 300 is replaced by leucine, an amino acid with highly similar properties. This amino acid position is conserved. In addition, this alteration is predicted to be tolerated by in silico analysis. Based on the available evidence, the clinical significance of this variant remains unclear.

NM_002432.3(MNDA):c.898A>C (p.Ile300Leu)

Gene: MNDA (myeloid cell nuclear differentiation antigen; plus strand). Cytogenetic location: 1q23.1.
Variant type: single nucleotide variant.
Coding change: c.898A>C on transcript NM_002432.3 (MANE Select); coding-DNA position 898, A replaced by C.
Protein change: p.Ile300Leu; replaces isoleucine 300 with leucine.
Molecular consequence: missense variant.
Genome position (GRCh38, 1-based): chr1:158,845,914, A>C. VCF-style: chr1-158845914-A-C. GRCh37 (hg19) VCF-style: chr1-158815704-A-C.
Other names: short protein forms I300L.
Identifiers: ClinVar variation 3397283 (VCV003397283.1).